The following is an entry in ClinVar:

ClinVar aggregate classification (germline): Uncertain significance. Review status: criteria provided, multiple submitters, no conflicts (2 of 4 stars). 2 submissions from 2 submitters: Uncertain significance (2). Last evaluated 2025-12-14.

Allele frequency attached by ClinVar (database versions not stated): gnomAD exomes 0.00004; TOPMed 0.00004; ExAC 0.00008; gnomAD 0.00009; 1000 Genomes Project 30x 0.00016; 1000 Genomes Project 0.00020.
gnomAD v4.1: 73 of 1,614,022 alleles (0.0045%); highest among the groups gnomAD compares: African/African-American, 0.0067%; no homozygotes.

Submissions (2):

Labcorp Genetics (formerly Invitae), Labcorp
Classification: Uncertain significance. Last evaluated: 2025-12-14. Review status: criteria provided, single submitter. Criteria: Invitae Variant Classification Sherloc (09022015). Collection method: clinical testing. Allele origin: germline.
Comment: This sequence change replaces valine, which is neutral and non-polar, with methionine, which is neutral and non-polar, at codon 160 of the CRAT protein (p.Val160Met). This variant is present in population databases (rs143158365, gnomAD 0.01%). This variant has not been reported in the literature in individuals affected with CRAT-related conditions. ClinVar contains an entry for this variant (Variation ID: 2074554). Invitae Evidence Modeling of protein sequence and biophysical properties (such as structural, functional, and spatial information, amino acid conservation, physicochemical variation, residue mobility, and thermodynamic stability) indicates that this missense variant is expected to disrupt CRAT protein function with a positive predictive value of 80%. In summary, the available evidence is currently insufficient to determine the role of this variant in disease. Therefore, it has been classified as a Variant of Uncertain Significance.

Ambry Genetics
Classification: Uncertain significance. Last evaluated: 2025-04-13. Review status: criteria provided, single submitter. Criteria: Ambry Variant Classification Scheme 2023. Collection method: clinical testing. Allele origin: germline.

NM_000755.5(CRAT):c.478G>A (p.Val160Met)

Gene: CRAT (carnitine O-acetyltransferase; minus strand). Cytogenetic location: 9q34.11.
Variant type: single nucleotide variant.
Coding change: c.478G>A on transcript NM_000755.5 (MANE Select); coding-DNA position 478, G replaced by A.
Protein change: p.Val160Met; replaces valine 160 with methionine.
Molecular consequence: missense variant.
Genome position (GRCh38, 1-based): chr9:129,102,552, C>T on the plus strand (G>A on the coding strand, the complement: CRAT is on the minus strand). VCF-style: chr9-129102552-C-T. GRCh37 (hg19) VCF-style: chr9-131864831-C-T.
Other names: c.415G>A, p.Val139Met (NM_001257363.3, NM_001346548.2, NM_004003.4); c.481G>A, p.Val161Met (NM_001346546.2); c.478G>A, p.Val160Met (NM_001346547.2); c.358G>A, p.Val120Met (NM_001346549.2); c.478G>A (NM_000755.3); short protein forms V139M, V160M, V120M, V161M.
Identifiers: ClinVar variation 2074554 (VCV002074554.5), dbSNP rs143158365, ClinGen allele CA5275725.
Genomic context (GRCh38, chr9:129,102,552, plus strand): 5'-AGGAGGACAAGATCTGATAGTACTGGTTCATGCACAGTGGCTTCCCCCCCAGGTACTCCA[C>T]GGGCAGGGTCTCGCTATGGGGTAGAGGGGCAGTGAGGCCACCACTGGGCAAGTGAATGGG-3'
Protein context (NP_000746.3, residues 150-170): KVMIDNETLP[Val160Met]EYLGGKPLCM